The following is an entry in ClinVar:

NM_005732.4(RAD50):c.1636-1G>A

Gene: RAD50 (RAD50 double strand break repair protein; plus strand). Cytogenetic location: 5q31.1.
Variant type: single nucleotide variant.
Coding change: c.1636-1G>A on transcript NM_005732.4 (MANE Select); the canonical splice acceptor site of the intron before coding-DNA position 1636, G replaced by A.
Molecular consequence: splice acceptor variant.
Genome position (GRCh38, 1-based): chr5:132,591,876, G>A. VCF-style: chr5-132591876-G-A. GRCh37 (hg19) VCF-style: chr5-131927568-G-A.
Identifiers: ClinVar variation 945424 (VCV000945424.8), dbSNP rs1750705894, ClinGen allele CA360946263.

ClinVar aggregate classification (germline): Pathogenic (1 of 4 stars; one submission).

Conditions:
Hereditary cancer-predisposing syndrome. Also called: Neoplastic Syndromes, Hereditary; Hereditary Cancer Syndrome; Tumor predisposition; Hereditary neoplastic syndrome. Identifiers: Orphanet 140162, MedGen C0027672, MeSH D009386, MONDO:0015356.

Submission:

Labcorp Genetics (formerly Invitae), Labcorp
Classification: Pathogenic for Hereditary cancer-predisposing syndrome. Last evaluated: 2025-01-27. Review status: criteria provided, single submitter. Criteria: Invitae Variant Classification Sherloc (09022015). Collection method: clinical testing. Allele origin: germline.
Comment: This sequence change affects an acceptor splice site in intron 10 of the RAD50 gene. RNA analysis indicates that disruption of this splice site induces altered splicing and may result in an absent or altered protein product. This variant is not present in population databases (gnomAD no frequency). This variant has not been reported in the literature in individuals affected with RAD50-related conditions. ClinVar contains an entry for this variant (Variation ID: 945424). Studies have shown that disruption of this splice site results in skipping of exon 11, and produces a non-functional protein and/or introduces a premature termination codon (internal data). For these reasons, this variant has been classified as Pathogenic.